The following is an entry in ClinVar:

NM_004656.4(BAP1):c.1451C>T (p.Pro484Leu)

Gene: BAP1 (BRCA1 associated deubiquitinase 1; minus strand). Cytogenetic location: 3p21.1.
Variant type: single nucleotide variant.
Coding change: c.1451C>T on transcript NM_004656.4 (MANE Select); coding-DNA position 1451, C replaced by T.
Protein change: p.Pro484Leu; replaces proline 484 with leucine.
Molecular consequence: missense variant.
Genome position (GRCh38, 1-based): chr3:52,403,694, G>A on the plus strand (C>T on the coding strand, the complement: BAP1 is on the minus strand). VCF-style: chr3-52403694-G-A. GRCh37 (hg19) VCF-style: chr3-52437710-G-A.
Other names: c.1397C>T, p.Pro466Leu (NM_001410772.1); short protein forms P484L, P466L.
Identifiers: ClinVar variation 4194738 (VCV004194738.1).
Genomic context (GRCh38, chr3:52,403,694, plus strand): 5'-TTGAAAGCACTGCCGATCTCAGAGGCCGTGTCTGTACTCTCATTGCTGGGGGTGGGTGAG[G>A]GCTGCGAGTGTGTGGGCACTGCCACAGCCGGACTCCCAGCCCCGCTGCTAGTCTTGATGG-3'
Protein context (NP_004647.1, residues 474-494): PAVAVPTHSQ[Pro484Leu]SPTPSNESTD

ClinVar aggregate classification (germline): Uncertain significance (1 of 4 stars; one submission).

Conditions:
Hereditary cancer-predisposing syndrome. Also called: Neoplastic Syndromes, Hereditary; Tumor predisposition; Hereditary Cancer Syndrome; Hereditary neoplastic syndrome. Identifiers: Orphanet 140162, MedGen C0027672, MeSH D009386, MONDO:0015356.

Submission:

Ambry Genetics
Classification: Uncertain significance for Hereditary cancer-predisposing syndrome. Last evaluated: 2025-08-20. Review status: criteria provided, single submitter. Criteria: Ambry Variant Classification Scheme 2023. Collection method: clinical testing. Allele origin: germline.
Comment: The p.P484L variant (also known as c.1451C>T), located in coding exon 13 of the BAP1 gene, results from a C to T substitution at nucleotide position 1451. The proline at codon 484 is replaced by leucine, an amino acid with similar properties. This amino acid position is conserved. In addition, the in silico prediction for this alteration is inconclusive. Based on the available evidence, the clinical significance of this variant remains unclear.